The following is an entry in ClinVar:

NM_001972.4(ELANE):c.563C>T (p.Thr188Ile)

Gene: ELANE (elastase, neutrophil expressed; plus strand). Cytogenetic location: 19p13.3.
Variant type: single nucleotide variant.
Coding change: c.563C>T on transcript NM_001972.4 (MANE Select); coding-DNA position 563, C replaced by T.
Protein change: p.Thr188Ile; replaces threonine 188 with isoleucine.
Molecular consequence: missense variant.
Genome position (GRCh38, 1-based): chr19:855,760, C>T. VCF-style: chr19-855760-C-T. GRCh37 (hg19) VCF-style: chr19-855760-C-T.
Other names: short protein forms T188I.
Identifiers: ClinVar variation 3844284 (VCV003844284.1).

ClinVar aggregate classification (germline): Uncertain significance (1 of 4 stars; one submission).

Conditions:
Inborn genetic diseases. Identifiers: MedGen C0950123, MeSH D030342.

gnomAD v4.1: 4 of 1,609,466 alleles (0.00025%); highest among the groups gnomAD compares: Non-Finnish European, 0.00034%; no homozygotes.

Submission:

Ambry Genetics
Classification: Uncertain significance for Inborn genetic diseases. Last evaluated: 2025-01-01. Review status: criteria provided, single submitter. Criteria: Ambry Variant Classification Scheme 2023. Collection method: clinical testing. Allele origin: germline.
Comment: The p.T188I variant (also known as c.563C>T), located in coding exon 4 of the ELANE gene, results from a C to T substitution at nucleotide position 563. The threonine at codon 188 is replaced by isoleucine, an amino acid with similar properties. This amino acid position is conserved. In addition, this alteration is predicted to be deleterious by in silico analysis. Based on the available evidence, the clinical significance of this variant remains unclear.